The following is an entry in ClinVar:

ClinVar aggregate classification (germline): Uncertain significance (1 of 4 stars; one submission).

Conditions:
Familial adenomatous polyposis 1 (FAP1). Also called: POLYPOSIS, ADENOMATOUS INTESTINAL; FAMILIAL ADENOMATOUS POLYPOSIS 1, ATTENUATED. Identifiers: MedGen C2713442, MONDO:0021056, OMIM 175100. Disease mechanism: loss of function.

Submission:

Labcorp Genetics (formerly Invitae), Labcorp
Classification: Uncertain significance for Familial adenomatous polyposis 1. Last evaluated: 2019-09-10. Review status: criteria provided, single submitter. Criteria: Invitae Variant Classification Sherloc (09022015). Collection method: clinical testing. Allele origin: germline.
Comment: This variant is a gross duplication of the genomic region encompassing exons 9-16 of the APC gene. The 5' boundary is likely confined to intron 8. The 3' end of this event is unknown as it extends beyond the assayed region for this gene and therefore may encompass additional genes. This particular duplication has not been previously reported in the literature in individuals with an APC-related disease. In summary, the exact genomic location of this variant is unknown and the impact of this duplication on APC protein function has not been established. Therefore, it has been classified as a Variant of Uncertain Significance.

NC_000005.9:g.(?_112151186)_(112179829_?)dup

Gene: APC (APC regulator of Wnt signaling pathway; plus strand). Cytogenetic location: 5q22.2.
Variant type: Duplication.
Identifiers: ClinVar variation 469691 (VCV000469691.2).